The following is an entry in ClinVar:

NM_001081.4(CUBN):c.4675C>T (p.Pro1559Ser)

Gene: CUBN (cubilin; minus strand). Cytogenetic location: 10p13.
Variant type: single nucleotide variant.
Coding change: c.4675C>T on transcript NM_001081.4 (MANE Select); coding-DNA position 4675, C replaced by T.
Protein change: p.Pro1559Ser; replaces proline 1559 with serine.
Molecular consequence: missense variant.
Genome position (GRCh38, 1-based): chr10:16,982,504, G>A on the plus strand (C>T on the coding strand, the complement: CUBN is on the minus strand). VCF-style: chr10-16982504-G-A. GRCh37 (hg19) VCF-style: chr10-17024503-G-A.
Other names: short protein forms P1559S.
Identifiers: ClinVar variation 299479 (VCV000299479.20), dbSNP rs1801231, ClinGen allele CA5424313.

ClinVar aggregate classification (germline): Benign. Review status: criteria provided, multiple submitters, no conflicts (2 of 4 stars). 7 submissions from 7 submitters: Benign (7). Last evaluated 2026-02-04.

Conditions:
Imerslund-Grasbeck syndrome type 1 (IGS1). Also called: Megaloblastic anemia 1, Finnish type; MEGALOBLASTIC ANEMIA, 1; Imerslund-Gräsbeck syndrome 1. Identifiers: MedGen C4016819, MONDO:0100156, OMIM 261100.
Imerslund-Grasbeck syndrome. Also called: ENTEROCYTE COBALAMIN MALABSORPTION; ENTEROCYTE INTRINSIC FACTOR RECEPTOR, DEFECT OF; Imerslund-Gräsbeck syndrome; PERNICIOUS ANEMIA, JUVENILE, DUE TO SELECTIVE INTESTINAL MALABSORPTION OF VITAMIN B12, WITH PROTEINURIA; Megaloblastic anemia due to inborn errors of metabolism. Identifiers: Orphanet 35858, MedGen C4551825, MONDO:0009853.

Allele frequency attached by ClinVar (database versions not stated): 1000 Genomes Project 30x 0.60806; 1000 Genomes Project 0.61342; TOPMed 0.70323; gnomAD 0.73090 and 0.73133; ESP Exome Variant Server 0.74873; gnomAD exomes 0.77023 and 0.85703; ExAC 0.77289.
gnomAD v4.1: 1,361,483 of 1,612,878 alleles (84%); highest among the groups gnomAD compares: Non-Finnish European, 90%; 587,886 homozygotes.

Submissions (7):

Labcorp Genetics (formerly Invitae), Labcorp
Classification: Benign for Imerslund-Grasbeck syndrome. Last evaluated: 2026-02-04. Review status: criteria provided, single submitter. Criteria: Invitae Variant Classification Sherloc (09022015). Collection method: clinical testing. Allele origin: germline.

Blueprint Genetics
Classification: Benign. Last evaluated: 2024-11-27. Review status: criteria provided, single submitter. Criteria: ACMG Guidelines, 2015. Collection method: clinical testing. Allele origin: germline.

Mayo Clinic Laboratories, Mayo Clinic
Classification: Benign. Last evaluated: 2022-03-31. Review status: criteria provided, single submitter. Criteria: ACMG Guidelines, 2015. Collection method: clinical testing. Allele origin: germline. Observed: 227 variant alleles.

Genome-Nilou Lab
Classification: Benign for Imerslund-Grasbeck syndrome type 1. Last evaluated: 2021-07-30. Review status: criteria provided, single submitter. Criteria: ACMG Guidelines, 2015. Collection method: clinical testing. Allele origin: germline. Affected: no.

GeneDx
Classification: Benign. Last evaluated: 2018-06-13. Review status: criteria provided, single submitter. Criteria: GeneDx Variant Classification (06012015). Collection method: clinical testing. Allele origin: germline. Affected: yes.
Comment: This variant is considered likely benign or benign based on one or more of the following criteria: it is a conservative change, it occurs at a poorly conserved position in the protein, it is predicted to be benign by multiple in silico algorithms, and/or has population frequency not consistent with disease.

Illumina Laboratory Services, Illumina
Classification: Benign for Imerslund-Grasbeck syndrome type 1. Last evaluated: 2018-01-13. Review status: criteria provided, single submitter. Criteria: ICSL Variant Classification Criteria 13 December 2019. Collection method: clinical testing. Allele origin: germline.
Comment: This variant was observed in the ICSL laboratory as part of a predisposition screen in an ostensibly healthy population. It had not been previously curated by ICSL or reported in the Human Gene Mutation Database (HGMD: prior to June 1st, 2018), and was therefore a candidate for classification through an automated scoring system. Utilizing variant allele frequency, disease prevalence and penetrance estimates, and inheritance mode, an automated score was calculated to assess if this variant is too frequent to cause the disease. Based on the score and internal cut-off values, a variant classified as benign is not then subjected to further curation. The score for this variant resulted in a classification of benign for this disease.

Breakthrough Genomics
Classification: Benign. Review status: criteria provided, single submitter. Criteria: ACMG Guidelines, 2015. Collection method: not provided. Allele origin: germline. Inheritance: Autosomal recessive inheritance. Affected: yes.